The following is an entry in ClinVar:

ClinVar aggregate classification (germline): Pathogenic. Review status: criteria provided, multiple submitters, no conflicts (2 of 4 stars). 2 submissions from 2 submitters: Pathogenic (2). Last evaluated 2023-08-11.

Conditions:
Lynch syndrome 5 (LYNCH5). Also called: Colorectal cancer, hereditary nonpolyposis, type 5; Hereditary non-polyposis colorectal cancer, type 5. Identifiers: Orphanet 144, MedGen C1833477, MONDO:0013710, OMIM 614350. Disease mechanism: loss of function.
Hereditary nonpolyposis colorectal neoplasms. Identifiers: MedGen C0009405, MeSH D003123.

Submissions (2):

Myriad Genetics, Inc.
Classification: Pathogenic for Lynch syndrome 5. Last evaluated: 2023-08-11. Review status: criteria provided, single submitter. Criteria: Myriad Autosomal Dominant, Autosomal Recessive and X-Linked Classification Criteria (2023). Collection method: clinical testing. Allele origin: unknown.
Comment: This variant is considered pathogenic. This variant creates a frameshift predicted to result in premature protein truncation.

Labcorp Genetics (formerly Invitae), Labcorp
Classification: Pathogenic for Hereditary nonpolyposis colorectal neoplasms. Last evaluated: 2021-02-03. Review status: criteria provided, single submitter. Criteria: Invitae Variant Classification Sherloc (09022015). Collection method: clinical testing. Allele origin: germline.
Comment: This variant is not present in population databases (ExAC no frequency). This variant has not been reported in the literature in individuals with MSH6-related conditions. For these reasons, this variant has been classified as Pathogenic. This sequence change creates a premature translational stop signal (p.Arg411Serfs*41) in the MSH6 gene. It is expected to result in an absent or disrupted protein product. Loss-of-function variants in MSH6 are known to be pathogenic (PMID: 18269114, 24362816).

Literature cited by the submitters: PubMed 18269114 (cited by Labcorp Genetics (formerly Invitae), Labcorp); PubMed 24362816 (cited by Labcorp Genetics (formerly Invitae), Labcorp).

NM_000179.3(MSH6):c.1233_1236del (p.Arg411fs)

Gene: MSH6 (mutS homolog 6; plus strand). Cytogenetic location: 2p16.3.
Variant type: Deletion.
Coding change: c.1233_1236del on transcript NM_000179.3 (MANE Select); coding-DNA positions 1233 to 1236, 4 bases deleted (GAAG; older notation c.1233_1236delGAAG).
Protein change: p.Arg411fs; shifts the reading frame from arginine 411.
Molecular consequence: frameshift variant.
Genome position (GRCh38, 1-based): chr2:47,799,216-47,799,219, GAAG deleted; deleting any 4 consecutive bases within chr2:47,799,214-47,799,219 gives the same sequence; the c. name uses the placement nearest the transcript's 3' end. VCF-style (leftmost placement, unchanged base first): chr2-47799213-GAGGA-G. GRCh37 (hg19) VCF-style: chr2-48026352-GAGGA-G.
Other names: c.843_846del, p.Arg281fs (NM_001281492.2); c.327_330del, p.Arg109fs (NM_001281493.2, NM_001281494.2); short protein forms R411fs, R109fs, R281fs.
Identifiers: ClinVar variation 1459822 (VCV001459822.7), dbSNP rs2104329814, ClinGen allele CA2573134912.